The following is an entry in ClinVar:

ClinVar aggregate classification (germline): Conflicting classifications of pathogenicity. Review status: criteria provided, conflicting classifications (1 of 4 stars). 3 submissions from 3 submitters: Uncertain significance (1); Likely benign (1). 1 of the submissions does not count toward it. Last evaluated 2025-07-06.

Conditions:
CACNA1E-related disorder. Also called: CACNA1E-related condition.

Allele frequency attached by ClinVar (database versions not stated): ExAC 0.00002; gnomAD exomes 0.00002; TOPMed 0.00002.
gnomAD v4.1: 19 of 1,613,962 alleles (0.0012%); highest among the groups gnomAD compares: South Asian, 0.0099%; no homozygotes.

Submissions (3):

Labcorp Genetics (formerly Invitae), Labcorp
Classification: Likely benign. Last evaluated: 2025-07-06. Review status: criteria provided, single submitter. Criteria: Invitae Variant Classification Sherloc (09022015). Collection method: clinical testing. Allele origin: germline.

GeneDx
Classification: Uncertain significance. Last evaluated: 2021-06-07. Review status: criteria provided, single submitter. Criteria: GeneDx Variant Classification Process June 2021. Collection method: clinical testing. Allele origin: germline. Affected: yes.
Comment: Has not been previously published as pathogenic or benign to our knowledge; In-silico analysis, which includes splice predictors and evolutionary conservation, is inconclusive as to whether the variant alters gene splicing. In the absence of RNA/functional studies, the actual effect of this sequence change is unknown.; This variant is associated with the following publications: (PMID: 27535533)

PreventionGenetics, part of Exact Sciences
Classification: Likely benign for CACNA1E-related condition. Last evaluated: 2024-03-15. Review status: no assertion criteria provided. Collection method: clinical testing. Allele origin: germline. Not counted in ClinVar's aggregate classification.
Comment: This variant is classified as likely benign based on ACMG/AMP sequence variant interpretation guidelines (Richards et al. 2015 PMID: 25741868, with internal and published modifications).

NM_001205293.3(CACNA1E):c.312C>T (p.Ile104=)

Gene: CACNA1E (calcium voltage-gated channel subunit alpha1 E; plus strand). Cytogenetic location: 1q25.3.
Variant type: single nucleotide variant.
Coding change: c.312C>T on transcript NM_001205293.3 (MANE Select); coding-DNA position 312, C replaced by T.
Protein change: p.Ile104=; no amino-acid change (isoleucine 104 retained).
Molecular consequence: synonymous variant.
Genome position (GRCh38, 1-based): chr1:181,510,522, C>T. VCF-style: chr1-181510522-C-T. GRCh37 (hg19) VCF-style: chr1-181479658-C-T.
Other names: c.312C>T, p.Ile104= (NM_000721.4, NM_001205294.2).
Identifiers: ClinVar variation 1327824 (VCV001327824.7), dbSNP rs760287778, ClinGen allele CA1274875.